The following is an entry in ClinVar:

NM_000089.4(COL1A2):c.1295G>A (p.Arg432Gln)

Gene: COL1A2 (collagen type I alpha 2 chain; plus strand). Cytogenetic location: 7q21.3.
Variant type: single nucleotide variant.
Coding change: c.1295G>A on transcript NM_000089.4 (MANE Select); coding-DNA position 1295, G replaced by A.
Protein change: p.Arg432Gln; replaces arginine 432 with glutamine.
Molecular consequence: missense variant.
Genome position (GRCh38, 1-based): chr7:94,411,099, G>A. VCF-style: chr7-94411099-G-A. GRCh37 (hg19) VCF-style: chr7-94040411-G-A.
Other names: short protein forms R432Q.
Identifiers: ClinVar variation 35934 (VCV000035934.39), dbSNP rs139446305, ClinGen allele CA260337.

ClinVar aggregate classification (germline): Conflicting classifications of pathogenicity. Review status: criteria provided, conflicting classifications (1 of 4 stars). 8 submissions from 8 submitters: Uncertain significance (6); Likely benign (2). Last evaluated 2026-04-07.

Conditions:
Ehlers-Danlos syndrome, classic type, 1 (EDSCL1). Also called: EDS I; EHLERS-DANLOS SYNDROME, GRAVIS TYPE; EHLERS-DANLOS SYNDROME, SEVERE CLASSIC TYPE; Ehlers-Danlos Syndrome, Classic Type, COL5A1-Related; Ehlers-Danlos syndrome, type 1. Identifiers: MedGen C0268335, MONDO:0019567, OMIM 130000.
Osteogenesis imperfecta type I (OI1). Also called: Osteogenesis imperfecta type 1; OI, TYPE I; OSTEOGENESIS IMPERFECTA TARDA; OSTEOGENESIS IMPERFECTA WITH BLUE SCLERAE; Lobstein disease; Classic Non-deforming Osteogenesis Imperfecta with Blue Sclerae. Identifiers: Orphanet 216796, Orphanet 666, MedGen C0023931, MONDO:0008146, OMIM 166200. Disease mechanism: loss of function.
Ehlers-Danlos syndrome, arthrochalasia type, 2. Also called: EHLERS-DANLOS SYNDROME, TYPE VIIB, AUTOSOMAL DOMINANT. Identifiers: MedGen CN293783, MONDO:0040501, OMIM 617821.
Ehlers-Danlos syndrome, cardiac valvular type. Identifiers: Orphanet 230851, MedGen C4303789, MONDO:0009159, OMIM 225320.
COL1A2-related disorder. Also called: COL1A2-Related Disorders; COL1A2-related condition.
Cardiovascular phenotype. Identifiers: MedGen CN230736.

Allele frequency attached by ClinVar (database versions not stated): gnomAD exomes 0.00007; ExAC 0.00014; 1000 Genomes Project 30x 0.00016; 1000 Genomes Project 0.00020; gnomAD 0.00020 and 0.00021; TOPMed 0.00027; ESP Exome Variant Server 0.00038.
gnomAD v4.1: 75 of 1,603,608 alleles (0.0047%); highest among the groups gnomAD compares: African/African-American, 0.047%; no homozygotes.

Submissions (8):

Women's Health and Genetics/Laboratory Corporation of America, LabCorp
Classification: Likely benign. Last evaluated: 2026-04-07. Review status: criteria provided, single submitter. Criteria: LabCorp Variant Classification Summary - May 2015. Collection method: clinical testing. Allele origin: germline.
Comment: Variant summary: COL1A2 c.1295G>A (p.Arg432Gln) results in a conservative amino acid change in the encoded protein sequence. Algorithms developed to predict the effect of missense changes on protein structure and function are either unavailable or do not agree on the potential impact of this missense change. The variant allele was found at a frequency of 7.3e-05 in 234146 control chromosomes. The observed variant frequency exceeds the estimated maximal expected allele frequency for disease-causing variants in COL1A2. To our knowledge, no occurrence of c.1295G>A in individuals affected with COL1A2-related conditions and no experimental evidence demonstrating its impact on protein function have been reported. ClinVar contains an entry for this variant (Variation ID: 35934). Based on the evidence outlined above, the variant was classified as likely benign.

Labcorp Genetics (formerly Invitae), Labcorp
Classification: Likely benign for Osteogenesis imperfecta type I; Ehlers-Danlos syndrome, classic type, 1. Last evaluated: 2026-01-04. Review status: criteria provided, single submitter. Criteria: Invitae Variant Classification Sherloc (09022015). Collection method: clinical testing. Allele origin: germline.

CeGaT Center for Human Genetics Tuebingen
Classification: Uncertain significance. Last evaluated: 2025-05-01. Review status: criteria provided, single submitter. Criteria: CeGaT Center For Human Genetics Tuebingen Variant Classification Criteria Version 2. Collection method: clinical testing. Allele origin: germline. Affected: yes. Observed: 1 variant allele.
Comment: COL1A2: PM2

PreventionGenetics, part of Exact Sciences
Classification: Uncertain significance for COL1A2-related condition. Last evaluated: 2025-03-26. Review status: criteria provided, single submitter. Criteria: ACMG Guidelines, 2015. Collection method: clinical testing. Allele origin: germline.
Comment: The COL1A2 c.1295G>A variant is predicted to result in the amino acid substitution p.Arg432Gln. To our knowledge, this variant has not been reported in the literature. This variant is reported in 0.030% of alleles in individuals of African descent in gnomAD. At this time, the clinical significance of this variant is uncertain due to the absence of conclusive functional and genetic evidence.

Blueprint Genetics
Classification: Uncertain significance. Last evaluated: 2024-09-30. Review status: criteria provided, single submitter. Criteria: ACMG Guidelines, 2015. Collection method: clinical testing. Allele origin: germline.

Ambry Genetics
Classification: Uncertain significance for Cardiovascular phenotype. Last evaluated: 2024-05-22. Review status: criteria provided, single submitter. Criteria: Ambry Variant Classification Scheme 2023. Collection method: clinical testing. Allele origin: germline.
Comment: The p.R432Q variant (also known as c.1295G>A), located in coding exon 23 of the COL1A2 gene, results from a G to A substitution at nucleotide position 1295. The arginine at codon 432 is replaced by glutamine, an amino acid with highly similar properties. This amino acid position is well conserved in available vertebrate species. In addition, the in silico prediction for this alteration is inconclusive. Based on the available evidence, the clinical significance of this variant remains unclear.

GeneDx
Classification: Uncertain significance. Last evaluated: 2023-12-21. Review status: criteria provided, single submitter. Criteria: GeneDx Variant Classification Process June 2021. Collection method: clinical testing. Allele origin: germline. Affected: yes.
Comment: In silico analysis supports that this missense variant does not alter protein structure/function; Occurs in the triple helical domain at the Y position in the canonical Gly-X-Y repeat; although this variant may have an effect on normal protein folding and function, missense substitution at the Y position is not a common mechanism of disease (HGMD); Reported in ClinVar as a variant of uncertain significance (ClinVar Variant ID# 35934; ClinVar); Has not been previously published as pathogenic or benign to our knowledge; This variant is associated with the following publications: (PMID: 26582918)

ARUP Laboratories, Molecular Genetics and Genomics, ARUP Laboratories
Classification: Uncertain significance. Last evaluated: 2020-05-21. Review status: criteria provided, single submitter. Criteria: ARUP Molecular Germline Variant Investigation Process. Collection method: clinical testing. Allele origin: germline.
Comment: The COL1A2 c.1295G>A; p.Arg432Gln variant (rs139446305), to our knowledge, is not reported in the medical literature but is reported in ClinVar (Variation ID: 35934). This variant is found in the general population with an overall allele frequency of 0.007% (18/264778 alleles) in the Genome Aggregation Database. The arginine at codon 432 is highly conserved, but computational analyses (SIFT, PolyPhen-2) predict that this variant is tolerated. However, given the lack of clinical and functional data, the significance of the p.Arg432Gln variant is uncertain at this time.